The following is an entry in ClinVar:

ClinVar aggregate classification (germline): Uncertain significance (1 of 4 stars; one submission).

Conditions:
Nemaline myopathy 6 (NEM6). Also called: Nemaline myopathy 6, autosomal dominant. Identifiers: Orphanet 171439, MedGen C1836472, MONDO:0012237, OMIM 609273.

Submission:

Labcorp Genetics (formerly Invitae), Labcorp
Classification: Uncertain significance for Nemaline myopathy 6. Last evaluated: 2024-11-17. Review status: criteria provided, single submitter. Criteria: Invitae Variant Classification Sherloc (09022015). Collection method: clinical testing. Allele origin: germline.
Comment: This sequence change replaces glutamine, which is neutral and polar, with proline, which is neutral and non-polar, at codon 340 of the KBTBD13 protein (p.Gln340Pro). This variant is not present in population databases (gnomAD no frequency). This variant has not been reported in the literature in individuals affected with KBTBD13-related conditions. Invitae Evidence Modeling of protein sequence and biophysical properties (such as structural, functional, and spatial information, amino acid conservation, physicochemical variation, residue mobility, and thermodynamic stability) indicates that this missense variant is not expected to disrupt KBTBD13 protein function with a negative predictive value of 80%. In summary, the available evidence is currently insufficient to determine the role of this variant in disease. Therefore, it has been classified as a Variant of Uncertain Significance.

NM_001101362.3(KBTBD13):c.1019A>C (p.Gln340Pro)

Gene: KBTBD13 (kelch repeat and BTB domain containing 13; plus strand). Cytogenetic location: 15q22.31.
Variant type: single nucleotide variant.
Coding change: c.1019A>C on transcript NM_001101362.3 (MANE Select); coding-DNA position 1019, A replaced by C.
Protein change: p.Gln340Pro; replaces glutamine 340 with proline.
Molecular consequence: missense variant.
Genome position (GRCh38, 1-based): chr15:65,077,834, A>C. VCF-style: chr15-65077834-A-C. GRCh37 (hg19) VCF-style: chr15-65370172-A-C.
Other names: short protein forms Q340P.
Identifiers: ClinVar variation 3666027 (VCV003666027.2).
Genomic context (GRCh38, chr15:65,077,834, plus strand): 5'-TGGTGGAGTACGCAGTGCGGACCGACGCGTGGCTGCCAGTGGCCGAGCTGCGGCGTCCGC[A>C]GAGCTATGGCCACTGCATGGTGGCCCACCGCGACAGCCTCTATGTGGTGCGCAACGGACC-3'
Protein context (NP_001094832.1, residues 330-350): WLPVAELRRP[Gln340Pro]SYGHCMVAHR